The following is an entry in ClinVar:

NM_001378615.1(CC2D2A):c.35_36del (p.Thr12fs)

Genes: CC2D2A (coiled-coil and C2 domain containing 2A; plus strand), FBXL5 (F-box and leucine rich repeat protein 5; minus strand). Cytogenetic location: 4p15.32.
Variant type: Deletion.
Coding change: c.35_36del on transcript NM_001378615.1 (MANE Select); coding-DNA positions 35 to 36, 2 bases deleted (CA; older notation c.35_36delCA).
Protein change: p.Thr12fs; shifts the reading frame from threonine 12.
Molecular consequence: frameshift variant.
Genome position (GRCh38, 1-based): chr4:15,475,967-15,475,968, CA deleted; deleting any 2 consecutive bases within chr4:15,475,966-15,475,968 gives the same sequence; the c. name uses the placement nearest the transcript's 3' end. VCF-style (leftmost placement, unchanged base first): chr4-15475965-TAC-T. GRCh37 (hg19) VCF-style: chr4-15477589-TAC-T.
Other names: c.35_36del, p.Thr12fs (NM_001080522.2, NM_001164720.3, NM_020785.2); short protein forms T12fs.
Identifiers: ClinVar variation 2926082 (VCV002926082.3), dbSNP rs764788925, ClinGen allele CA2863237.

ClinVar aggregate classification (germline): Pathogenic (1 of 4 stars; one submission).

Conditions:
Joubert syndrome. Also called: JOUBERT-BOLTSHAUSER SYNDROME; Familial aplasia of the vermis. Identifiers: Orphanet 475, MedGen C5979921, MONDO:0018772.
Meckel-Gruber syndrome. Also called: DYSENCEPHALIA SPLANCHNOCYSTICA; GRUBER SYNDROME; Dysencephalia splachnocystica. Identifiers: Orphanet 564, MedGen C0265215, MONDO:0018921.

Submission:

Labcorp Genetics (formerly Invitae), Labcorp
Classification: Pathogenic for Joubert syndrome; Meckel-Gruber syndrome. Last evaluated: 2022-12-18. Review status: criteria provided, single submitter. Criteria: Invitae Variant Classification Sherloc (09022015). Collection method: clinical testing. Allele origin: germline.
Comment: For these reasons, this variant has been classified as Pathogenic. This variant has not been reported in the literature in individuals affected with CC2D2A-related conditions. This variant is present in population databases (rs764788925, gnomAD 0.004%). This sequence change creates a premature translational stop signal (p.Thr12Argfs*5) in the CC2D2A gene. It is expected to result in an absent or disrupted protein product. Loss-of-function variants in CC2D2A are known to be pathogenic (PMID: 19777577).

Literature cited by the submitters: PubMed 19777577.